The following is an entry in ClinVar:

NM_001374736.1(DST):c.20201A>T (p.Lys6734Met)

Gene: DST (dystonin; minus strand). Cytogenetic location: 6p12.1.
Variant type: single nucleotide variant.
Coding change: c.20201A>T on transcript NM_001374736.1 (MANE Select); coding-DNA position 20201, A replaced by T.
Protein change: p.Lys6734Met; replaces lysine 6734 with methionine.
Molecular consequence: missense variant.
Genome position (GRCh38, 1-based): chr6:56,497,401, T>A on the plus strand (A>T on the coding strand, the complement: DST is on the minus strand). VCF-style: chr6-56497401-T-A. GRCh37 (hg19) VCF-style: chr6-56362199-T-A.
Other names: p.Lys4111Met; c.13844A>T, p.Lys4615Met (NM_001144769.5); c.13430A>T, p.Lys4477Met (NM_001144770.2); c.20201A>T, p.Lys6734Met (NM_001374722.1); c.19241A>T, p.Lys6414Met (NM_001374729.1); c.12983A>T, p.Lys4328Met (NM_001374730.1); c.20228A>T, p.Lys6743Met (NM_001374734.1); c.12332A>T, p.Lys4111Met (NM_015548.5); and 1 more; short protein forms K4111M, K6743M, K4328M, K4437M, K4477M, K4615M, K6414M, K6734M.
Identifiers: ClinVar variation 967819 (VCV000967819.6), dbSNP rs2095955225, ClinGen allele CA364518167.

ClinVar aggregate classification (germline): Uncertain significance. Review status: criteria provided, multiple submitters, no conflicts (2 of 4 stars). 2 submissions from 2 submitters: Uncertain significance (2). Last evaluated 2025-02-23.

Conditions:
Hereditary sensory and autonomic neuropathy type 6. Also called: Neuropathy, hereditary sensory and autonomic, type VI; HSAN VI. Identifiers: Orphanet 314381, MedGen C3539003, MONDO:0013839, OMIM 614653.
Epidermolysis bullosa simplex 3, localized or generalized intermediate, with BP230 deficiency (EBS3). Also called: Epidermolysis bullosa simplex, autosomal recessive 2; Epidermolysis bullosa simplex due to BP230 deficiency. Identifiers: Orphanet 412181, MedGen C3809470, MONDO:0014180, OMIM 615425.

Allele frequency attached by ClinVar (database versions not stated): gnomAD exomes below 0.00001; TOPMed below 0.00001.
gnomAD v4.1: 2 of 1,613,156 alleles (0.00012%); highest among the groups gnomAD compares: Non-Finnish European, 0.000085%; no homozygotes.

Submissions (2):

Mayo Clinic Laboratories, Mayo Clinic
Classification: Uncertain significance. Last evaluated: 2025-02-23. Review status: criteria provided, single submitter. Criteria: ACMG Guidelines, 2015. Collection method: clinical testing. Allele origin: germline. Observed: 2 variant alleles.
Comment: BP4

Labcorp Genetics (formerly Invitae), Labcorp
Classification: Uncertain significance for Epidermolysis bullosa simplex 3, localized or generalized intermediate, with BP230 deficiency; Hereditary sensory and autonomic neuropathy type 6. Last evaluated: 2021-08-31. Review status: criteria provided, single submitter. Criteria: Invitae Variant Classification Sherloc (09022015). Collection method: clinical testing. Allele origin: germline.